The following is an entry in ClinVar:

ClinVar aggregate classification (germline): Uncertain significance (1 of 4 stars; one submission).

Conditions:
Neuropathy, hereditary sensory and autonomic, type 2A (HSAN2A). Also called: HSAN IIA; ACROOSTEOLYSIS, GIACCAI TYPE; ACROOSTEOLYSIS, NEUROGENIC; MORVAN DISEASE; NEUROPATHY, CONGENITAL SENSORY; NEUROPATHY, HEREDITARY SENSORY RADICULAR, AUTOSOMAL RECESSIVE. Identifiers: Orphanet 970, MedGen C2752089, MONDO:0024309, OMIM 201300.
Generalized epilepsy with febrile seizures plus, type 7 (GEFSP7). Also called: GEFS+, TYPE 7. Identifiers: Orphanet 36387, MedGen C2751778, MONDO:0013470, OMIM 613863.

Submission:

Labcorp Genetics (formerly Invitae), Labcorp
Classification: Uncertain significance for Neuropathy, hereditary sensory and autonomic, type 2A; Generalized epilepsy with febrile seizures plus, type 7. Last evaluated: 2020-07-09. Review status: criteria provided, single submitter. Criteria: Invitae Variant Classification Sherloc (09022015). Collection method: clinical testing. Allele origin: germline.
Comment: This variant has not been reported in the literature in individuals with SCN9A-related conditions. In summary, the available evidence is currently insufficient to determine the role of this variant in disease. Therefore, it has been classified as a Variant of Uncertain Significance. Experimental studies and prediction algorithms are not available or were not evaluated, and the functional significance of this variant is currently unknown. This variant is not present in population databases (ExAC no frequency). This sequence change replaces serine with cysteine at codon 343 of the SCN9A protein (p.Ser343Cys). The serine residue is highly conserved and there is a moderate physicochemical difference between serine and cysteine.

NM_001365536.1(SCN9A):c.1026_1027delinsTT (p.Ser343Cys)

Genes: SCN1A-AS1 (SCN1A and SCN9A antisense RNA 1; plus strand), SCN9A (sodium voltage-gated channel alpha subunit 9; minus strand). Cytogenetic location: 2q24.3.
Variant type: Indel.
Coding change: c.1026_1027delinsTT on transcript NM_001365536.1 (MANE Select); coding-DNA positions 1026 to 1027, GA replaced by TT.
Protein change: p.Ser343Cys; replaces serine 343 with cysteine.
Molecular consequence: missense variant.
Genome position (GRCh38, 1-based): chr2:166,293,311-166,293,312, TC replaced by AA on the plus strand (GA replaced by TT on the coding strand, the reverse complement: SCN9A is on the minus strand). VCF-style: chr2-166293311-TC-AA. GRCh37 (hg19) VCF-style: chr2-167149821-TC-AA.
Other names: c.1026_1027delGAinsTT, p.Ser343Cys (NM_002977.4); short protein forms S343C.
Identifiers: ClinVar variation 1018572 (VCV001018572.7), dbSNP rs1698159182, ClinGen allele CA1304972091.